The following is an entry in ClinVar:

NM_182641.4(BPTF):c.6323C>T (p.Ala2108Val)

Gene: BPTF (bromodomain PHD finger transcription factor; plus strand). Cytogenetic location: 17q24.2.
Variant type: single nucleotide variant.
Coding change: c.6323C>T on transcript NM_182641.4 (MANE Select); coding-DNA position 6323, C replaced by T.
Protein change: p.Ala2108Val; replaces alanine 2108 with valine.
Molecular consequence: missense variant.
Genome position (GRCh38, 1-based): chr17:67,940,502, C>T. VCF-style: chr17-67940502-C-T. GRCh37 (hg19) VCF-style: chr17-65936618-C-T.
Other names: c.6701C>T, p.Ala2234Val (NM_004459.7); short protein forms A2108V, A2234V.
Identifiers: ClinVar variation 2574316 (VCV002574316.1), dbSNP rs2512353521, ClinGen allele CA400720967.

ClinVar aggregate classification (germline): Uncertain significance (1 of 4 stars; one submission).

Submission:

GeneDx
Classification: Uncertain significance. Last evaluated: 2023-01-25. Review status: criteria provided, single submitter. Criteria: GeneDx Variant Classification Process June 2021. Collection method: clinical testing. Allele origin: germline. Affected: yes.
Comment: Not observed at significant frequency in large population cohorts (gnomAD); In silico analysis supports that this missense variant does not alter protein structure/function; Has not been previously published as pathogenic or benign to our knowledge